The following is an entry in ClinVar:

NM_003177.7(SYK):c.163G>A (p.Val55Met)

Gene: SYK (spleen associated tyrosine kinase; plus strand). Cytogenetic location: 9q22.2.
Variant type: single nucleotide variant.
Coding change: c.163G>A on transcript NM_003177.7 (MANE Select); coding-DNA position 163, G replaced by A.
Protein change: p.Val55Met; replaces valine 55 with methionine.
Molecular consequence: missense variant.
Genome position (GRCh38, 1-based): chr9:90,844,061, G>A. VCF-style: chr9-90844061-G-A. GRCh37 (hg19) VCF-style: chr9-93606343-G-A.
Other names: c.163G>A, p.Val55Met (NM_001135052.4, NM_001174167.3, NM_001174168.3); short protein forms V55M.
Identifiers: ClinVar variation 3376354 (VCV003376354.1).

ClinVar aggregate classification (germline): Uncertain significance (1 of 4 stars; one submission).

Conditions:
Immunodeficiency 82 with systemic inflammation. Identifiers: Orphanet 695807, MedGen C5543581, MONDO:0030308, OMIM 619381.

gnomAD v4.1: 108 of 1,612,238 alleles (0.0067%); highest among the groups gnomAD compares: East Asian, 0.0089%; no homozygotes.

Submission:

Pittsburgh Clinical Genomics Laboratory, University of Pittsburgh Medical Center
Classification: Uncertain significance for Immunodeficiency 82 with systemic inflammation. Last evaluated: 2024-02-15. Review status: criteria provided, single submitter. Criteria: ACMG Guidelines, 2015. Collection method: clinical testing. Allele origin: germline. Inheritance: Autosomal dominant inheritance. Affected: yes.
Comment: This sequence variant is a single nucleotide substitution (G>A) at position 163 of the coding sequence of the SYK gene that results in a valine to methionine amino acid change at residue 55 of the spleen associated tyrosine kinase protein. This residue falls in the N-terminal Src homology 2 (SH2) domain (UniProt). This variant is absent from ClinVar and has not been observed in individuals affected by a SYK-related disorder in the published literature, to our knowledge. This variant is present in 108 of 1612238 alleles (0.0067%) in the gnomAD v4.0.0 population dataset. Multiple bioinformatic tools predict that this amino acid change would be damaging, and the Val55 residue at this position is well conserved across the vertebrate species examined. Studies examining the functional consequence of this variant have not been published, to our knowledge. At this time, there is insufficient evidence to determine if this variant is pathogenic or benign. Therefore, we consider this a variant of uncertain significance. ACMG Criteria: PP3